The following is an entry in ClinVar:

NM_139242.4(MTFMT):c.607G>A (p.Glu203Lys)

Gene: MTFMT (mitochondrial methionyl-tRNA formyltransferase; minus strand). Cytogenetic location: 15q22.31.
Variant type: single nucleotide variant.
Coding change: c.607G>A on transcript NM_139242.4 (MANE Select); coding-DNA position 607, G replaced by A.
Protein change: p.Glu203Lys; replaces glutamic acid 203 with lysine.
Molecular consequence: missense variant.
Genome position (GRCh38, 1-based): chr15:65,021,552, C>T on the plus strand (G>A on the coding strand, the complement: MTFMT is on the minus strand). VCF-style: chr15-65021552-C-T. GRCh37 (hg19) VCF-style: chr15-65313890-C-T.
Other names: short protein forms E203K.
Identifiers: ClinVar variation 2076564 (VCV002076564.4), dbSNP rs2086374000, ClinGen allele CA392853771.
Genomic context (GRCh38, chr15:65,021,552, plus strand): 5'-GTAGGATATTGGGGAATTATACCATGTTGGCACCCAGTCTTGACAACACTGCTTCCAATT[C>T]CTTTGCAGTGCTCTTGGGTGGCACAGGAACAGTTTCTTGTTTGAGAATTGGGCCTACATC-3'
Protein context (NP_640335.2, residues 193-213): VPVPPKSTAK[Glu203Lys]LEAVLSRLGA

ClinVar aggregate classification (germline): Uncertain significance (1 of 4 stars; one submission).

Submission:

Labcorp Genetics (formerly Invitae), Labcorp
Classification: Uncertain significance. Last evaluated: 2022-01-06. Review status: criteria provided, single submitter. Criteria: Invitae Variant Classification Sherloc (09022015). Collection method: clinical testing. Allele origin: germline.
Comment: Algorithms developed to predict the effect of missense changes on protein structure and function are either unavailable or do not agree on the potential impact of this missense change (SIFT: "Tolerated"; PolyPhen-2: "Possibly Damaging"; Align-GVGD: "Class C0"). In summary, the available evidence is currently insufficient to determine the role of this variant in disease. Therefore, it has been classified as a Variant of Uncertain Significance. This variant has not been reported in the literature in individuals affected with MTFMT-related conditions. This variant is not present in population databases (gnomAD no frequency). This sequence change replaces glutamic acid, which is acidic and polar, with lysine, which is basic and polar, at codon 203 of the MTFMT protein (p.Glu203Lys).